The following is an entry in ClinVar:

ClinVar aggregate classification (germline): Pathogenic/Likely pathogenic. Review status: criteria provided, multiple submitters, no conflicts (2 of 4 stars). 4 submissions from 4 submitters: Pathogenic (2); Likely pathogenic (2). Last evaluated 2025-12-14.

Conditions:
CNGA1-related disorder. Also called: CNGA1-related condition.
Retinitis pigmentosa 49 (RP49). Identifiers: Orphanet 791, MedGen C3151059, MONDO:0013405, OMIM 613756.
Retinitis pigmentosa (RP). Identifiers: Orphanet 791, MedGen C0035334, MeSH D012174, MONDO:0019200, OMIM 268000. Inheritance: Autosomal dominant, autosomal recessive and X linked inheritance.

Submissions (4):

Labcorp Genetics (formerly Invitae), Labcorp
Classification: Pathogenic. Last evaluated: 2025-12-14. Review status: criteria provided, single submitter. Criteria: Invitae Variant Classification Sherloc (09022015). Collection method: clinical testing. Allele origin: germline.
Comment: This sequence change creates a premature translational stop signal (p.Thr586Serfs*17) in the CNGA1 gene. While this is not anticipated to result in nonsense mediated decay, it is expected to disrupt the last 105 amino acid(s) of the CNGA1 protein. This variant is present in population databases (rs768694789, gnomAD 0.004%). This premature translational stop signal has been observed in individual(s) with retinitis pigmentosa (PMID: 28981474). ClinVar contains an entry for this variant (Variation ID: 866019). This variant disrupts a region of the CNGA1 protein in which other variant(s) (p.Arg658Aspfs*2) have been determined to be pathogenic (PMID: 7479749; internal data). This suggests that this is a clinically significant region of the protein, and that variants that disrupt it are likely to be disease-causing. For these reasons, this variant has been classified as Pathogenic.

Blueprint Genetics
Classification: Pathogenic for CNGA1-related disorders. Last evaluated: 2024-05-23. Review status: criteria provided, single submitter. Criteria: ACMG Guidelines, 2015. Collection method: clinical testing. Allele origin: germline. Affected: yes. Observed: 5 variant alleles.

Fulgent Genetics
Classification: Likely pathogenic for Retinitis pigmentosa 49. Last evaluated: 2024-03-06. Review status: criteria provided, single submitter. Criteria: ACMG Guidelines, 2015. Collection method: clinical testing. Allele origin: germline.

Broad Center for Mendelian Genomics, Broad Institute of MIT and Harvard
Classification: Likely pathogenic for Retinitis pigmentosa. Last evaluated: 2021-04-01. Review status: criteria provided, single submitter. Criteria: ACMG Guidelines, 2015. Collection method: curation. Allele origin: germline. Inheritance: Autosomal recessive inheritance. Affected: yes.
Comment: Through a review of available evidence we were able to apply the following criteria: PVS1, PM2. Based on this evidence we have classified this variant as Likely Pathogenic. If you have any questions about the classification please reach out to the Pierce Lab.

Literature cited by the submitters: PubMed 28981474 (cited by Labcorp Genetics (formerly Invitae), Labcorp); PubMed 7479749 (cited by Labcorp Genetics (formerly Invitae), Labcorp); PubMed 34906470 (cited by Broad Center for Mendelian Genomics, Broad Institute of MIT and Harvard).

NM_001379270.1(CNGA1):c.1743_1746del (p.Thr582fs)

Genes: CNGA1 (cyclic nucleotide gated channel subunit alpha 1; minus strand), LOC101927157 (uncharacterized LOC101927157; plus strand). Cytogenetic location: 4p12.
Variant type: Deletion.
Coding change: c.1743_1746del on transcript NM_001379270.1 (MANE Select); coding-DNA positions 1743 to 1746, 4 bases deleted (AACT; older notation c.1743_1746delAACT).
Protein change: p.Thr582fs; shifts the reading frame from threonine 582.
Molecular consequence: frameshift variant.
Genome position (GRCh38, 1-based): chr4:47,936,736-47,936,739, AGTT deleted on the plus strand (AACT on the coding strand, the reverse complement: CNGA1 is on the minus strand); deleting any 4 consecutive bases within chr4:47,936,736-47,936,741 gives the same sequence; the c. name uses the placement nearest the transcript's 3' end. VCF-style (leftmost placement, unchanged base first): chr4-47936735-CAGTT-C. GRCh37 (hg19) VCF-style: chr4-47938752-CAGTT-C.
Other names: c.1743_1746del, p.Thr582fs (NM_001142564.2, NM_000087.5); c.1755_1758del (NM_000087.3); short protein forms T582fs.
Identifiers: ClinVar variation 866019 (VCV000866019.13), dbSNP rs768694789, ClinGen allele CA2911023.